The following is an entry in ClinVar:

ClinVar aggregate classification (germline): Likely pathogenic (1 of 4 stars; one submission).

Conditions:
Spermatogenic failure 56. Identifiers: MedGen C5561978, MONDO:0030430, OMIM 619515.

gnomAD v4.1: 46 of 1,613,860 alleles (0.0029%); highest among the groups gnomAD compares: East Asian, 0.042%; no homozygotes.

Submission:

First Genomix Gene Laboratory, Genetic Diagnostics Department
Classification: Likely pathogenic for Spermatogenic failure 56. Last evaluated: 2025-08-01. Review status: criteria provided, single submitter. Criteria: ACMG Guidelines, 2015. Collection method: clinical testing. Allele origin: germline. Inheritance: Autosomal recessive inheritance. Affected: no. Observed: 1 variant allele.

NM_001372106.1(DNAH10):c.772C>T (p.Arg258Trp)

Gene: DNAH10 (dynein axonemal heavy chain 10; plus strand). Cytogenetic location: 12q24.31.
Variant type: single nucleotide variant.
Coding change: c.772C>T on transcript NM_001372106.1 (MANE Select); coding-DNA position 772, C replaced by T.
Protein change: p.Arg258Trp; replaces arginine 258 with tryptophan.
Molecular consequence: missense variant.
Genome position (GRCh38, 1-based): chr12:123,781,230, C>T. VCF-style: chr12-123781230-C-T. GRCh37 (hg19) VCF-style: chr12-124265777-C-T.
Other names: c.589C>T, p.Arg197Trp (NM_207437.3); short protein forms R197W, R258W.
Identifiers: ClinVar variation 4850561 (VCV004850561.1).
Genomic context (GRCh38, chr12:123,781,230, plus strand): 5'-GAATCAGACCTGCCGCCCATGCCTGGGGAGGCAGTAGAATATCACAGTATTCAATTAATA[C>T]GGGATGAATTTTTAATGAACGTGCAGAAATTTGCAAGTAATATTCAAAGAACCATGCAGC-3'
Protein context (NP_001359035.1, residues 248-268): AVEYHSIQLI[Arg258Trp]DEFLMNVQKF